The following is an entry in ClinVar:

ClinVar aggregate classification (germline): Likely pathogenic (1 of 4 stars; one submission).

Submission:

GeneDx
Classification: Likely pathogenic. Last evaluated: 2025-07-09. Review status: criteria provided, single submitter. Criteria: GeneDx Variant Classification Process June 2021. Collection method: clinical testing. Allele origin: germline. Affected: yes.
Comment: Not observed at significant frequency in large population cohorts (gnomAD); In silico analysis supports that this missense variant has a deleterious effect on protein structure/function; Has not been previously published as pathogenic or benign to our knowledge

NM_001386298.1(CIC):c.2836T>C (p.Trp946Arg)

Gene: CIC (capicua transcriptional repressor; plus strand). Cytogenetic location: 19q13.2.
Variant type: single nucleotide variant.
Coding change: c.2836T>C on transcript NM_001386298.1 (MANE Select); coding-DNA position 2836, T replaced by C.
Protein change: p.Trp946Arg; replaces tryptophan 946 with arginine.
Molecular consequence: missense variant.
Genome position (GRCh38, 1-based): chr19:42,286,812, T>C. VCF-style: chr19-42286812-T-C. GRCh37 (hg19) VCF-style: chr19-42790964-T-C.
Other names: c.2836T>C, p.Trp946Arg (NM_001304815.2, NM_001379480.1, NM_001379482.1 and 6 more transcripts); c.109T>C, p.Trp37Arg (NM_001379484.1, NM_001379485.1, NM_001439189.1 and 3 more transcripts); short protein forms W37R, W946R.
Identifiers: ClinVar variation 4685430 (VCV004685430.1).